The following is an entry in ClinVar:

NM_006306.4(SMC1A):c.2314-7_2314-3del

Gene: SMC1A (structural maintenance of chromosomes 1A; minus strand). Cytogenetic location: Xp11.22.
Variant type: Microsatellite.
Coding change: c.2314-7_2314-3del on transcript NM_006306.4 (MANE Select); 7 bases into the intron before coding-DNA position 2314 through 3 bases into the intron before coding-DNA position 2314, 5 bases deleted (TTCTC; older notation c.2314-7_2314-3delTTCTC).
Molecular consequence: intron variant.
Genome position (GRCh38, 1-based): chrX:53,403,675-53,403,679, GAGAA deleted on the plus strand (TTCTC on the coding strand, the reverse complement: SMC1A is on the minus strand); deleting any 5 consecutive bases within chrX:53,403,675-53,403,685 gives the same sequence; the c. name uses the placement nearest the transcript's 3' end. VCF-style (leftmost placement, unchanged base first): chrX-53403674-TGAGAA-T. GRCh37 (hg19) VCF-style: chrX-53430606-TGAGAA-T.
Other names: c.2248-7_2248-3del (NM_001281463.1).
Identifiers: ClinVar variation 1068223 (VCV001068223.10), dbSNP rs2146598341, ClinGen allele CA2580612338.

ClinVar aggregate classification (germline): Likely pathogenic (1 of 4 stars; one submission).

Conditions:
Congenital muscular hypertrophy-cerebral syndrome (CDLS2). Also called: Cornelia de Lange syndrome 2; SMC1A-Related Cornelia de Lange Syndrome. Identifiers: Orphanet 199, MedGen C1802395, MONDO:0010370, OMIM 300590.

Submission:

Labcorp Genetics (formerly Invitae), Labcorp
Classification: Likely pathogenic for Congenital muscular hypertrophy-cerebral syndrome. Last evaluated: 2023-10-27. Review status: criteria provided, single submitter. Criteria: Invitae Variant Classification Sherloc (09022015). Collection method: clinical testing. Allele origin: germline.
Comment: This sequence change falls in intron 14 of the SMC1A gene. It does not directly change the encoded amino acid sequence of the SMC1A protein. This variant is not present in population databases (gnomAD no frequency). This variant has been observed in individual(s) with SMC1A-related conditions (PMID: 36084525; Invitae). In at least one individual the variant was observed to be de novo. Algorithms developed to predict the effect of sequence changes on RNA splicing suggest that this variant is not likely to affect RNA splicing. In summary, the currently available evidence indicates that the variant is pathogenic, but additional data are needed to prove that conclusively. Therefore, this variant has been classified as Likely Pathogenic.

Literature cited by the submitters: PubMed 36084525.